The following is an entry in ClinVar:

NM_001378778.1(MPDZ):c.5558-3C>T

Gene: MPDZ (multiple PDZ domain crumbs cell polarity complex component; minus strand). Cytogenetic location: 9p23.
Variant type: single nucleotide variant.
Coding change: c.5558-3C>T on transcript NM_001378778.1 (MANE Select); 3 bases into the intron before coding-DNA position 5558, C replaced by T.
Molecular consequence: intron variant.
Genome position (GRCh38, 1-based): chr9:13,113,057, G>A on the plus strand (C>T on the coding strand, the complement: MPDZ is on the minus strand). VCF-style: chr9-13113057-G-A. GRCh37 (hg19) VCF-style: chr9-13113056-G-A.
Other names: c.5261-3C>T (NM_001375425.1, NM_001375426.1); c.5348-3C>T (NM_001375420.1, NM_001375423.1, NM_001375424.1 and 2 more transcripts); c.5372-3C>T (NM_001375419.1, NM_001261407.2); c.5459-3C>T (NM_001375416.1, NM_001375418.1, NM_001261406.2 and 1 more transcripts); c.5558-3C>T (NM_001330637.2); c.5150-3C>T (NM_001375427.1); c.5471-3C>T (NM_003829.5, NM_003829.3); c.5657-3C>T (NM_001375413.1).
Identifiers: ClinVar variation 1355653 (VCV001355653.4), dbSNP rs375992264, ClinGen allele CA4986213.

ClinVar aggregate classification (germline): Uncertain significance. Review status: criteria provided, multiple submitters, no conflicts (2 of 4 stars). 2 submissions from 2 submitters: Uncertain significance (2). Last evaluated 2022-04-28.

Conditions:
Inborn genetic diseases. Identifiers: MedGen C0950123, MeSH D030342.

Allele frequency attached by ClinVar (database versions not stated): gnomAD exomes 0.00005 and 0.00008; ExAC 0.00016; 1000 Genomes Project 0.00020; 1000 Genomes Project 30x 0.00031; gnomAD 0.00034 and 0.00040; TOPMed 0.00042; ESP Exome Variant Server 0.00043.
gnomAD v4.1: 124 of 1,571,204 alleles (0.0079%); highest among the groups gnomAD compares: African/African-American, 0.16%; no homozygotes.

Submissions (2):

Labcorp Genetics (formerly Invitae), Labcorp
Classification: Uncertain significance. Last evaluated: 2022-04-28. Review status: criteria provided, single submitter. Criteria: Invitae Variant Classification Sherloc (09022015). Collection method: clinical testing. Allele origin: germline.
Comment: This sequence change falls in intron 40 of the MPDZ gene. It does not directly change the encoded amino acid sequence of the MPDZ protein. It affects a nucleotide within the consensus splice site. This variant is present in population databases (rs375992264, gnomAD 0.1%). This variant has not been reported in the literature in individuals affected with MPDZ-related conditions. Variants that disrupt the consensus splice site are a relatively common cause of aberrant splicing (PMID: 17576681, 9536098). Algorithms developed to predict the effect of sequence changes on RNA splicing suggest that this variant is not likely to affect RNA splicing. In summary, the available evidence is currently insufficient to determine the role of this variant in disease. Therefore, it has been classified as a Variant of Uncertain Significance.

Ambry Genetics
Classification: Uncertain significance for Inborn genetic diseases. Last evaluated: 2022-02-10. Review status: criteria provided, single submitter. Criteria: Ambry Variant Classification Scheme 2023. Collection method: clinical testing. Allele origin: germline.
Comment: The c.5471-3C>T intronic alteration consists of a C to T substitution 3 nucleotides before coding exon 40 in the MPDZ gene. Based on insufficient or conflicting evidence, the clinical significance of this alteration remains unclear.

Literature cited by the submitters: PubMed 17576681 (cited by Labcorp Genetics (formerly Invitae), Labcorp); PubMed 9536098 (cited by Labcorp Genetics (formerly Invitae), Labcorp).